The following is an entry in ClinVar:

ClinVar aggregate classification (germline): Benign/Likely benign. Review status: criteria provided, multiple submitters, no conflicts (2 of 4 stars). 6 submissions from 6 submitters: Benign (4); Likely benign (1). 1 of the submissions does not count toward it. Last evaluated 2026-01-20.

Conditions:
Usher syndrome type 3B. Also called: USHER SYNDROME, TYPE IIIB. Identifiers: MedGen C3281066, MONDO:0013788, OMIM 614504.
HARS1-related disorder. Also called: HARS1-related condition.

Allele frequency attached by ClinVar (database versions not stated): gnomAD 0.00065 and 0.00086; gnomAD exomes 0.00068 and 0.00152; TOPMed 0.00099; ExAC 0.00166; 1000 Genomes Project 30x 0.00328; 1000 Genomes Project 0.00339.

Submissions (6):

Labcorp Genetics (formerly Invitae), Labcorp
Classification: Benign for Usher syndrome type 3B. Last evaluated: 2026-01-20. Review status: criteria provided, single submitter. Criteria: Invitae Variant Classification Sherloc (09022015). Collection method: clinical testing. Allele origin: germline.

GeneDx
Classification: Benign. Last evaluated: 2020-02-21. Review status: criteria provided, single submitter. Criteria: GeneDx Variant Classification Process June 2021. Collection method: clinical testing. Allele origin: germline. Affected: yes.

Ambry Genetics
Classification: Likely benign. Last evaluated: 2019-07-11. Review status: criteria provided, single submitter. Criteria: Ambry Variant Classification Scheme 2023. Collection method: clinical testing. Allele origin: germline.

Mayo Clinic Laboratories, Mayo Clinic
Classification: Benign. Last evaluated: 2019-05-13. Review status: criteria provided, single submitter. Criteria: ACMG Guidelines, 2015. Collection method: clinical testing. Allele origin: germline. Observed: 2 variant alleles.

ARUP Laboratories, Molecular Genetics and Genomics, ARUP Laboratories
Classification: Benign. Last evaluated: 2018-02-22. Review status: criteria provided, single submitter. Criteria: ARUP Molecular Germline Variant Investigation Process. Collection method: clinical testing. Allele origin: germline.

PreventionGenetics, part of Exact Sciences
Classification: Benign for HARS1-related condition. Last evaluated: 2019-06-21. Review status: no assertion criteria provided. Collection method: clinical testing. Allele origin: germline. Not counted in ClinVar's aggregate classification.
Comment: This variant is classified as benign based on ACMG/AMP sequence variant interpretation guidelines (Richards et al. 2015 PMID: 25741868, with internal and published modifications).

NM_002109.6(HARS1):c.234C>T (p.Asp78=)

Gene: HARS1 (histidyl-tRNA synthetase 1; minus strand). Cytogenetic location: 5q31.3.
Variant type: single nucleotide variant.
Coding change: c.234C>T on transcript NM_002109.6 (MANE Select); coding-DNA position 234, C replaced by T.
Protein change: p.Asp78=; no amino-acid change (aspartic acid 78 retained).
Molecular consequence: synonymous variant. On other transcripts: intron variant (3).
Genome position (GRCh38, 1-based): chr5:140,683,166, G>A on the plus strand (C>T on the coding strand, the complement: HARS1 is on the minus strand). VCF-style: chr5-140683166-G-A. GRCh37 (hg19) VCF-style: chr5-140062751-G-A.
Other names: p.Asp78=; c.234C>T, p.Asp78= (NM_001258041.3, NM_001289092.2); c.147C>T, p.Asp49= (NM_001289094.2); c.181-5151C>T (NM_001289093.2); c.181-3283C>T (NM_001258042.3, NM_001258040.3).
Identifiers: ClinVar variation 508585 (VCV000508585.25), dbSNP rs142994969, ClinGen allele CA3444157.